The following is an entry in ClinVar:

ClinVar aggregate classification (germline): Likely pathogenic (1 of 4 stars; one submission).

Conditions:
Hermansky-Pudlak syndrome (HPS). Also called: ALBINISM WITH HEMORRHAGIC DIATHESIS AND PIGMENTED RETICULOENDOTHELIAL CELLS. Identifiers: Orphanet 79430, MedGen C0079504, MONDO:0019312.

Submission:

Natera, Inc.
Classification: Likely pathogenic for Hermansky-Pudlak syndrome. Last evaluated: 2025-12-15. Review status: criteria provided, single submitter. Criteria: Natera Variant Classification Schema (03/2026). Collection method: clinical testing. Allele origin: germline.
Comment: The c.658_661del variant in HPS3 is a frameshift variant predicted to shift the reading frame beginning at codon 220 and leads to a stop codon 12 codons downstream. This variant is expected to result in nonsense mediated decay, truncation, or a dysfunctional protein product. This variant is rare in the general population with a frequency below the threshold expected for the associated phenotype(s). Given the available evidence, this variant is classified as Likely Pathogenic.

NM_032383.5(HPS3):c.658_661del (p.Arg220fs)

Gene: HPS3 (HPS3 biogenesis of lysosomal organelles complex 2 subunit 1; plus strand). Cytogenetic location: 3q24.
Variant type: Microsatellite.
Coding change: c.658_661del on transcript NM_032383.5 (MANE Select); coding-DNA positions 658 to 661, 4 bases deleted (AGAG; older notation c.658_661delAGAG).
Protein change: p.Arg220fs; shifts the reading frame from arginine 220.
Molecular consequence: frameshift variant. On other transcripts: intron variant (1).
Genome position (GRCh38, 1-based): chr3:149,140,444-149,140,447, AGAG deleted; deleting any 4 consecutive bases within chr3:149,140,439-149,140,447 gives the same sequence; the c. name uses the placement nearest the transcript's 3' end. VCF-style (leftmost placement, unchanged base first): chr3-149140438-GGAGA-G. GRCh37 (hg19) VCF-style: chr3-148858225-GGAGA-G.
Other names: c.218-578GA[2] (NM_001308258.2); short protein forms R220fs.
Identifiers: ClinVar variation 4816327 (VCV004816327.1).